The following is an entry in ClinVar:

NM_004006.3(DMD):c.6368C>T (p.Ala2123Val)

Gene: DMD (dystrophin; minus strand). Cytogenetic location: Xp21.1.
Variant type: single nucleotide variant.
Coding change: c.6368C>T on transcript NM_004006.3 (MANE Select); coding-DNA position 6368, C replaced by T.
Protein change: p.Ala2123Val; replaces alanine 2123 with valine.
Molecular consequence: missense variant.
Genome position (GRCh38, 1-based): chrX:32,216,986, G>A on the plus strand (C>T on the coding strand, the complement: DMD is on the minus strand). VCF-style: chrX-32216986-G-A. GRCh37 (hg19) VCF-style: chrX-32235103-G-A.
Other names: c.6344C>T, p.Ala2115Val (NM_000109.4); c.6356C>T, p.Ala2119Val (NM_004009.3); c.5999C>T, p.Ala2000Val (NM_004010.3); c.2345C>T, p.Ala782Val (NM_004011.4); c.2336C>T, p.Ala779Val (NM_004012.4); short protein forms A2115V, A2000V, A2119V, A2123V, A779V, A782V.
Identifiers: ClinVar variation 2094321 (VCV002094321.4), dbSNP rs2519058732, ClinGen allele CA412660624.

ClinVar aggregate classification (germline): Uncertain significance (1 of 4 stars; one submission).

Conditions:
Duchenne muscular dystrophy (DMD). Also called: MUSCULAR DYSTROPHY, PSEUDOHYPERTROPHIC PROGRESSIVE, DUCHENNE TYPE; Duchenne Muscular Dystrophy (DMD). Identifiers: Orphanet 98896, MedGen C0013264, MONDO:0010679, OMIM 310200.

Submission:

Labcorp Genetics (formerly Invitae), Labcorp
Classification: Uncertain significance for Duchenne muscular dystrophy. Last evaluated: 2022-02-06. Review status: criteria provided, single submitter. Criteria: Invitae Variant Classification Sherloc (09022015). Collection method: clinical testing. Allele origin: germline.
Comment: This sequence change replaces alanine, which is neutral and non-polar, with valine, which is neutral and non-polar, at codon 2123 of the DMD protein (p.Ala2123Val). This variant is not present in population databases (gnomAD no frequency). This variant has not been reported in the literature in individuals affected with DMD-related conditions. Algorithms developed to predict the effect of missense changes on protein structure and function output the following: SIFT: "Tolerated"; PolyPhen-2: "Benign"; Align-GVGD: "Class C0". The valine amino acid residue is found in multiple mammalian species, which suggests that this missense change does not adversely affect protein function. In summary, the available evidence is currently insufficient to determine the role of this variant in disease. Therefore, it has been classified as a Variant of Uncertain Significance.